The following is an entry in ClinVar:

NM_001378615.1(CC2D2A):c.3468dup (p.Asp1157Ter)

Genes: FBXL5 (F-box and leucine rich repeat protein 5; minus strand), CC2D2A (coiled-coil and C2 domain containing 2A; plus strand). Cytogenetic location: 4p15.32.
Variant type: Duplication.
Coding change: c.3468dup on transcript NM_001378615.1 (MANE Select); coding-DNA position 3468, one base duplicated (T; older notation c.3468dupT).
Protein change: p.Asp1157Ter; replaces aspartic acid 1157 with a stop codon.
Molecular consequence: nonsense.
Genome position (GRCh38, 1-based): chr4:15,569,362, T duplicated; the last of 5 consecutive T bases (chr4:15,569,358-15,569,362); duplicating any one gives the same sequence. VCF-style (leftmost placement, unchanged base first): chr4-15569357-A-AT. GRCh37 (hg19) VCF-style: chr4-15570980-A-AT.
Other names: c.3468dup, p.Asp1157Ter (NM_001080522.2); c.3321dup, p.Asp1108Ter (NM_001378617.1); short protein forms D1157*, D1108*.
Identifiers: ClinVar variation 2922034 (VCV002922034.3), dbSNP rs1170204399, ClinGen allele CA2578047896.
Genomic context (GRCh38, chr4:15,569,357, plus strand): 5'-CCTAATGGAGATTATAGCACAGCCAGTCTGCAGTCAGTGAAAGATGTTGTGTTCATTAAC[A>AT]TTTTTGATGAAGTACTGCATGATGTCTTAGAGGTAAGTTCTCAGTTTTAAGAAAGACACT-3'

ClinVar aggregate classification (germline): Pathogenic (1 of 4 stars; one submission).

Conditions:
Joubert syndrome. Also called: JOUBERT-BOLTSHAUSER SYNDROME; Familial aplasia of the vermis. Identifiers: Orphanet 475, MedGen C5979921, MONDO:0018772.
Meckel-Gruber syndrome. Also called: DYSENCEPHALIA SPLANCHNOCYSTICA; GRUBER SYNDROME; Dysencephalia splachnocystica. Identifiers: Orphanet 564, MedGen C0265215, MONDO:0018921.

Submission:

Labcorp Genetics (formerly Invitae), Labcorp
Classification: Pathogenic for Joubert syndrome; Meckel-Gruber syndrome. Last evaluated: 2024-01-14. Review status: criteria provided, single submitter. Criteria: Invitae Variant Classification Sherloc (09022015). Collection method: clinical testing. Allele origin: germline.
Comment: This sequence change creates a premature translational stop signal (p.Asp1157*) in the CC2D2A gene. It is expected to result in an absent or disrupted protein product. Loss-of-function variants in CC2D2A are known to be pathogenic (PMID: 19777577). This variant is not present in population databases (gnomAD no frequency). This variant has not been reported in the literature in individuals affected with CC2D2A-related conditions. Algorithms developed to predict the effect of sequence changes on RNA splicing suggest that this variant may disrupt the consensus splice site. For these reasons, this variant has been classified as Pathogenic.

Literature cited by the submitters: PubMed 19777577.